The following is an entry in ClinVar:

ClinVar aggregate classification (germline): Uncertain significance (1 of 4 stars; one submission).

Conditions:
ZC3H4-related disorder. Also called: ZC3H4-related condition.

Submission:

PreventionGenetics, part of Exact Sciences
Classification: Uncertain significance for ZC3H4-related condition. Last evaluated: 2022-08-25. Review status: criteria provided, single submitter. Criteria: ACMG Guidelines, 2015. Collection method: clinical testing. Allele origin: germline.
Comment: The ZC3H4 c.3899C>G variant is predicted to result in the amino acid substitution p.Pro1300Arg. To our knowledge, this variant has not been reported in the literature or in a large population database, indicating this variant is rare. At this time, the clinical significance of this variant is uncertain due to the absence of conclusive functional and genetic evidence.

NM_015168.2(ZC3H4):c.3899C>G (p.Pro1300Arg)

Gene: ZC3H4 (zinc finger CCCH-type containing 4; minus strand). Cytogenetic location: 19q13.32.
Variant type: single nucleotide variant.
Coding change: c.3899C>G on transcript NM_015168.2 (MANE Select); coding-DNA position 3899, C replaced by G.
Protein change: p.Pro1300Arg; replaces proline 1300 with arginine.
Molecular consequence: missense variant.
Genome position (GRCh38, 1-based): chr19:47,066,369, G>C on the plus strand (C>G on the coding strand, the complement: ZC3H4 is on the minus strand). VCF-style: chr19-47066369-G-C. GRCh37 (hg19) VCF-style: chr19-47569626-G-C.
Other names: short protein forms P1300R.
Identifiers: ClinVar variation 2636508 (VCV002636508.1), dbSNP rs2514352425, ClinGen allele CA406520900.